The following is an entry in ClinVar:

NM_024592.5(SRD5A3):c.390C>G (p.Phe130Leu)

Gene: SRD5A3 (steroid 5 alpha-reductase 3; plus strand). Cytogenetic location: 4q12.
Variant type: single nucleotide variant.
Coding change: c.390C>G on transcript NM_024592.5 (MANE Select); coding-DNA position 390, C replaced by G.
Protein change: p.Phe130Leu; replaces phenylalanine 130 with leucine.
Molecular consequence: missense variant.
Genome position (GRCh38, 1-based): chr4:55,364,099, C>G. VCF-style: chr4-55364099-C-G. GRCh37 (hg19) VCF-style: chr4-56230266-C-G.
Other names: c.390C>G (NM_024592.4); c.390C>G, p.Phe130Leu (NM_001410732.1); short protein forms F130L.
Identifiers: ClinVar variation 2173989 (VCV002173989.4), dbSNP rs1719785978, ClinGen allele CA356957315.

ClinVar aggregate classification (germline): Uncertain significance. Review status: criteria provided, multiple submitters, no conflicts (2 of 4 stars). 2 submissions from 2 submitters: Uncertain significance (2). Last evaluated 2025-04-30.

Conditions:
Inborn genetic diseases. Identifiers: MedGen C0950123, MeSH D030342.
SRD5A3-congenital disorder of glycosylation. Also called: Congenital disorder of glycosylation type 1Q; CDG Iq; Ocular colobomas, ichthyosis, brain malformations and endocrine abnormalities; COLOBOMA, OCULAR, WITH ICHTHYOSIS, BRAIN MALFORMATIONS, AND ENDOCRINE ABNORMALITIES; SRD5A3-CDG. Identifiers: Orphanet 324737, MedGen C4317224, MONDO:0012885, OMIM 612379.

Submissions (2):

Ambry Genetics
Classification: Uncertain significance for Inborn genetic diseases. Last evaluated: 2025-04-30. Review status: criteria provided, single submitter. Criteria: Ambry Variant Classification Scheme 2023. Collection method: clinical testing. Allele origin: germline.

Labcorp Genetics (formerly Invitae), Labcorp
Classification: Uncertain significance for SRD5A3-congenital disorder of glycosylation. Last evaluated: 2022-02-09. Review status: criteria provided, single submitter. Criteria: Invitae Variant Classification Sherloc (09022015). Collection method: clinical testing. Allele origin: germline.
Comment: Algorithms developed to predict the effect of missense changes on protein structure and function output the following: SIFT: "Tolerated"; PolyPhen-2: "Benign"; Align-GVGD: "Class C0". The leucine amino acid residue is found in multiple mammalian species, which suggests that this missense change does not adversely affect protein function. In summary, the available evidence is currently insufficient to determine the role of this variant in disease. Therefore, it has been classified as a Variant of Uncertain Significance. This variant has not been reported in the literature in individuals affected with SRD5A3-related conditions. This variant is not present in population databases (gnomAD no frequency). This sequence change replaces phenylalanine, which is neutral and non-polar, with leucine, which is neutral and non-polar, at codon 130 of the SRD5A3 protein (p.Phe130Leu).